The following is an entry in ClinVar:

ClinVar aggregate classification (germline): Uncertain significance (1 of 4 stars; one submission).

Conditions:
Charcot-Marie-Tooth disease type 2. Also called: Charcot-Marie-Tooth type 2. Identifiers: Orphanet 64746, MedGen C0270914, MONDO:0018993.

Submission:

Labcorp Genetics (formerly Invitae), Labcorp
Classification: Uncertain significance for Charcot-Marie-Tooth disease type 2. Last evaluated: 2024-06-04. Review status: criteria provided, single submitter. Criteria: Invitae Variant Classification Sherloc (09022015). Collection method: clinical testing. Allele origin: germline.
Comment: This sequence change replaces phenylalanine, which is neutral and non-polar, with serine, which is neutral and polar, at codon 145 of the MFN2 protein (p.Phe145Ser). This variant is not present in population databases (gnomAD no frequency). This variant has not been reported in the literature in individuals affected with MFN2-related conditions. Advanced modeling of protein sequence and biophysical properties (such as structural, functional, and spatial information, amino acid conservation, physicochemical variation, residue mobility, and thermodynamic stability) performed at Invitae indicates that this missense variant is expected to disrupt MFN2 protein function with a positive predictive value of 80%. In summary, the available evidence is currently insufficient to determine the role of this variant in disease. Therefore, it has been classified as a Variant of Uncertain Significance.

NM_014874.4(MFN2):c.434T>C (p.Phe145Ser)

Gene: MFN2 (mitofusin 2; plus strand). Cytogenetic location: 1p36.22.
Variant type: single nucleotide variant.
Coding change: c.434T>C on transcript NM_014874.4 (MANE Select); coding-DNA position 434, T replaced by C.
Protein change: p.Phe145Ser; replaces phenylalanine 145 with serine.
Molecular consequence: missense variant.
Genome position (GRCh38, 1-based): chr1:11,996,278, T>C. VCF-style: chr1-11996278-T-C. GRCh37 (hg19) VCF-style: chr1-12056335-T-C.
Other names: c.434T>C, p.Phe145Ser (NM_001127660.2); short protein forms F145S.
Identifiers: ClinVar variation 3651784 (VCV003651784.2).